The following is an entry in ClinVar:

NM_001082538.3(TCTN1):c.286G>A (p.Asp96Asn)

Gene: TCTN1 (tectonic family member 1; plus strand). Cytogenetic location: 12q24.11.
Variant type: single nucleotide variant.
Coding change: c.286G>A on transcript NM_001082538.3 (MANE Select); coding-DNA position 286, G replaced by A.
Protein change: p.Asp96Asn; replaces aspartic acid 96 with asparagine.
Molecular consequence: missense variant. On other transcripts: 5 prime UTR variant (1), non-coding transcript variant (1).
Genome position (GRCh38, 1-based): chr12:110,619,901, G>A. VCF-style: chr12-110619901-G-A. GRCh37 (hg19) VCF-style: chr12-111057706-G-A.
Other names: c.286G>A, p.Asp96Asn (NM_001082537.3, NM_001319680.2, NM_024549.6); c.118G>A, p.Asp40Asn (NM_001173975.3, NM_001319682.3); c.106G>A, p.Asp36Asn (NM_001173976.2); c.-422G>A (NM_001319681.2); short protein forms D36N, D96N, D40N.
Identifiers: ClinVar variation 1385791 (VCV001385791.6), dbSNP rs1048212721, ClinGen allele CA243554582.

ClinVar aggregate classification (germline): Uncertain significance (1 of 4 stars; one submission).

Conditions:
Joubert syndrome. Also called: CEREBELLOPARENCHYMAL DISORDER IV; JOUBERT-BOLTSHAUSER SYNDROME; Familial aplasia of the vermis. Identifiers: Orphanet 475, MedGen C5979921, MONDO:0018772.
Meckel-Gruber syndrome. Also called: DYSENCEPHALIA SPLANCHNOCYSTICA; GRUBER SYNDROME; Dysencephalia splachnocystica. Identifiers: Orphanet 564, MedGen C0265215, MONDO:0018921.

Allele frequency attached by ClinVar (database versions not stated): gnomAD exomes 0.00001; TOPMed 0.00002.
gnomAD v4.1: 6 of 1,614,080 alleles (0.00037%); highest among the groups gnomAD compares: African/African-American, 0.0013%; no homozygotes.

Submission:

Labcorp Genetics (formerly Invitae), Labcorp
Classification: Uncertain significance for Joubert syndrome; Meckel-Gruber syndrome. Last evaluated: 2021-10-06. Review status: criteria provided, single submitter. Criteria: Invitae Variant Classification Sherloc (09022015). Collection method: clinical testing. Allele origin: germline.
Comment: In summary, the available evidence is currently insufficient to determine the role of this variant in disease. Therefore, it has been classified as a Variant of Uncertain Significance. Algorithms developed to predict the effect of missense changes on protein structure and function are either unavailable or do not agree on the potential impact of this missense change (SIFT: "Tolerated"; PolyPhen-2: "Probably Damaging"; Align-GVGD: "Class C0"). This variant has not been reported in the literature in individuals affected with TCTN1-related conditions. This variant is not present in population databases (ExAC no frequency). This sequence change replaces aspartic acid with asparagine at codon 96 of the TCTN1 protein (p.Asp96Asn). The aspartic acid residue is highly conserved and there is a small physicochemical difference between aspartic acid and asparagine.